The following is an entry in ClinVar:

NM_004186.5(SEMA3F):c.2204C>A (p.Ala735Asp)

Gene: SEMA3F (semaphorin 3F; plus strand). Cytogenetic location: 3p21.31.
Variant type: single nucleotide variant.
Coding change: c.2204C>A on transcript NM_004186.5 (MANE Select); coding-DNA position 2204, C replaced by A.
Protein change: p.Ala735Asp; replaces alanine 735 with aspartic acid.
Molecular consequence: missense variant.
Genome position (GRCh38, 1-based): chr3:50,187,961, C>A. VCF-style: chr3-50187961-C-A. GRCh37 (hg19) VCF-style: chr3-50225394-C-A.
Other names: c.1907C>A, p.Ala636Asp (NM_001318798.2); c.2111C>A, p.Ala704Asp (NM_001318800.2); short protein forms A636D, A704D, A735D.
Identifiers: ClinVar variation 3358561 (VCV003358561.1).

ClinVar aggregate classification (germline): Uncertain significance (0 of 4 stars; one submission).

Conditions:
SEMA3F-related disorder. Also called: SEMA3F-related condition.

gnomAD v4.1: 7 of 1,609,072 alleles (0.00044%); highest among the groups gnomAD compares: Non-Finnish European, 0.00051%; no homozygotes.

Submission:

PreventionGenetics, part of Exact Sciences
Classification: Uncertain significance for SEMA3F-related condition. Last evaluated: 2024-07-17. Review status: no assertion criteria provided. Collection method: clinical testing. Allele origin: germline.
Comment: The SEMA3F c.2204C>A variant is predicted to result in the amino acid substitution p.Ala735Asp. To our knowledge, this variant has not been reported in the literature. This variant is reported in 0.00096% of alleles in individuals of European (Non-Finnish) descent in gnomAD. At this time, the clinical significance of this variant is uncertain due to the absence of conclusive functional and genetic evidence.